The following is an entry in ClinVar:

NM_018075.5(ANO10):c.1385G>A (p.Arg462Gln)

Gene: ANO10 (anoctamin 10; minus strand). Cytogenetic location: 3p22.1.
Variant type: single nucleotide variant.
Coding change: c.1385G>A on transcript NM_018075.5 (MANE Select); coding-DNA position 1385, G replaced by A.
Protein change: p.Arg462Gln; replaces arginine 462 with glutamine.
Molecular consequence: missense variant.
Genome position (GRCh38, 1-based): chr3:43,561,311, C>T on the plus strand (G>A on the coding strand, the complement: ANO10 is on the minus strand). VCF-style: chr3-43561311-C-T. GRCh37 (hg19) VCF-style: chr3-43602803-C-T.
Other names: c.1385G>A, p.Arg462Gln (NM_001204831.3, NM_001346463.2, NM_001346464.2 and 3 more transcripts); c.1187G>A, p.Arg396Gln (NM_001204832.3, NM_001346466.2, NM_001346469.2); c.1052G>A, p.Arg351Gln (NM_001204833.3); c.815G>A, p.Arg272Gln (NM_001204834.3); short protein forms R462Q, R272Q, R351Q, R396Q.
Identifiers: ClinVar variation 128387 (VCV000128387.25), dbSNP rs3772165, ClinGen allele CA151823.

ClinVar aggregate classification (germline): Benign. Review status: criteria provided, multiple submitters, no conflicts (2 of 4 stars). 13 submissions from 13 submitters: Benign (10). 3 of the submissions do not count toward it. Last evaluated 2026-02-04.

Conditions:
Autosomal recessive spinocerebellar ataxia 10. Identifiers: Orphanet 284289, MedGen C3150998, MONDO:0013392, OMIM 613728.

Allele frequency attached by ClinVar (database versions not stated): ESP Exome Variant Server 0.55690; gnomAD 0.58882 and 0.59837; TOPMed 0.59466; gnomAD exomes 0.62853 and 0.65756; ExAC 0.65050; 1000 Genomes Project 30x 0.65928; 1000 Genomes Project 0.66314.
gnomAD v4.1: 1,009,188 of 1,613,842 alleles (63%); highest among the groups gnomAD compares: East Asian, 90%; 319,572 homozygotes.

Submissions (13):

Labcorp Genetics (formerly Invitae), Labcorp
Classification: Benign. Last evaluated: 2026-02-04. Review status: criteria provided, single submitter. Criteria: Invitae Variant Classification Sherloc (09022015). Collection method: clinical testing. Allele origin: germline.

Blueprint Genetics
Classification: Benign. Last evaluated: 2024-11-26. Review status: criteria provided, single submitter. Criteria: ACMG Guidelines, 2015. Collection method: clinical testing. Allele origin: germline.

Mayo Clinic Laboratories, Mayo Clinic
Classification: Benign. Last evaluated: 2022-03-24. Review status: criteria provided, single submitter. Criteria: ACMG Guidelines, 2015. Collection method: clinical testing. Allele origin: germline. Observed: 414 variant alleles.

Genome-Nilou Lab
Classification: Benign for Autosomal recessive spinocerebellar ataxia 10. Last evaluated: 2021-07-14. Review status: criteria provided, single submitter. Criteria: ACMG Guidelines, 2015. Collection method: clinical testing. Allele origin: germline. Affected: no.

GeneDx
Classification: Benign. Last evaluated: 2019-09-25. Review status: criteria provided, single submitter. Criteria: GeneDx Variant Classification Process June 2021. Collection method: clinical testing. Allele origin: germline. Affected: yes.

Athena Diagnostics
Classification: Benign. Last evaluated: 2019-07-18. Review status: criteria provided, single submitter. Criteria: Athena Diagnostics Criteria. Collection method: clinical testing. Allele origin: germline.

Illumina Laboratory Services, Illumina
Classification: Benign for Autosomal recessive spinocerebellar ataxia 10. Last evaluated: 2018-01-12. Review status: criteria provided, single submitter. Criteria: ICSL Variant Classification Criteria 13 December 2019. Collection method: clinical testing. Allele origin: germline.
Comment: This variant was observed in the ICSL laboratory as part of a predisposition screen in an ostensibly healthy population. It had not been previously curated by ICSL or reported in the Human Gene Mutation Database (HGMD: prior to June 1st, 2018), and was therefore a candidate for classification through an automated scoring system. Utilizing variant allele frequency, disease prevalence and penetrance estimates, and inheritance mode, an automated score was calculated to assess if this variant is too frequent to cause the disease. Based on the score and internal cut-off values, a variant classified as benign is not then subjected to further curation. The score for this variant resulted in a classification of benign for this disease.

Clinical Genetics DNA and cytogenetics Diagnostics Lab, Erasmus MC, Erasmus Medical Center
Classification: Benign for Autosomal recessive spinocerebellar ataxia 10. Last evaluated: 2015-09-21. Review status: criteria provided, single submitter. Criteria: ACGS Guidelines, 2013. Collection method: clinical testing. Allele origin: germline. Affected: yes. Study: VKGL Data-share Consensus.

Breakthrough Genomics
Classification: Benign. Review status: criteria provided, single submitter. Criteria: ACMG Guidelines, 2015. Collection method: not provided. Allele origin: germline. Inheritance: Autosomal recessive inheritance. Affected: yes.

PreventionGenetics, part of Exact Sciences
Classification: Benign. Review status: criteria provided, single submitter. Criteria: ACMG Guidelines, 2015. Collection method: clinical testing. Allele origin: germline.

Diagnostic Laboratory, Department of Genetics, University Medical Center Groningen
Classification: Benign for Autosomal recessive spinocerebellar ataxia 10. Review status: no assertion criteria provided. Collection method: clinical testing. Allele origin: germline. Affected: yes. Study: VKGL Data-share Consensus. Not counted in ClinVar's aggregate classification.

Genetic Services Laboratory, University of Chicago
Classification: Likely benign for AllHighlyPenetrant. Review status: no assertion criteria provided. Collection method: clinical testing. Allele origin: germline. Inheritance: Autosomal recessive inheritance. Not counted in ClinVar's aggregate classification.
Comment: Likely benign based on allele frequency in 1000 Genomes Project or ESP global frequency and its presence in a patient with a rare or unrelated disease phenotype. NOT Sanger confirmed.

Joint Genome Diagnostic Labs from Nijmegen and Maastricht, Radboudumc and MUMC+
Classification: Benign. Review status: no assertion criteria provided. Collection method: clinical testing. Allele origin: germline. Affected: yes. Study: VKGL Data-share Consensus. Not counted in ClinVar's aggregate classification.